The following is an entry in ClinVar:

ClinVar aggregate classification (germline): Conflicting classifications of pathogenicity. Review status: criteria provided, conflicting classifications (1 of 4 stars). 2 submissions from 2 submitters: Uncertain significance (1); Likely benign (1). Last evaluated 2022-12-06.

Allele frequency attached by ClinVar (database versions not stated): gnomAD 0.00001 and 0.00002; gnomAD exomes 0.00003 and 0.00006; ExAC 0.00005; TOPMed 0.00005; 1000 Genomes Project 30x 0.00016.
gnomAD v4.1: 47 of 1,611,956 alleles (0.0029%); highest among the groups gnomAD compares: East Asian, 0.098%; no homozygotes.

Submissions (2):

Labcorp Genetics (formerly Invitae), Labcorp
Classification: Uncertain significance. Last evaluated: 2022-12-06. Review status: criteria provided, single submitter. Criteria: Invitae Variant Classification Sherloc (09022015). Collection method: clinical testing. Allele origin: germline.
Comment: This variant is present in population databases (rs769438908, gnomAD 0.08%). This variant has not been reported in the literature in individuals affected with HGF-related conditions. ClinVar contains an entry for this variant (Variation ID: 681499). Algorithms developed to predict the effect of missense changes on protein structure and function are either unavailable or do not agree on the potential impact of this missense change (SIFT: "Not Available"; PolyPhen-2: "Benign"; Align-GVGD: "Not Available"). In summary, the available evidence is currently insufficient to determine the role of this variant in disease. Therefore, it has been classified as a Variant of Uncertain Significance. This sequence change replaces aspartic acid, which is acidic and polar, with tyrosine, which is neutral and polar, at codon 543 of the HGF protein (p.Asp543Tyr).

GeneDx
Classification: Likely benign. Last evaluated: 2020-04-07. Review status: criteria provided, single submitter. Criteria: GeneDx Variant Classification Process June 2021. Collection method: clinical testing. Allele origin: germline. Affected: yes.
Comment: This variant is associated with the following publications: (PMID: 15064106)

NM_000601.6(HGF):c.1627G>T (p.Asp543Tyr)

Gene: HGF (hepatocyte growth factor; minus strand). Cytogenetic location: 7q21.11.
Variant type: single nucleotide variant.
Coding change: c.1627G>T on transcript NM_000601.6 (MANE Select); coding-DNA position 1627, G replaced by T.
Protein change: p.Asp543Tyr; replaces aspartic acid 543 with tyrosine.
Molecular consequence: missense variant.
Genome position (GRCh38, 1-based): chr7:81,706,417, C>A on the plus strand (G>T on the coding strand, the complement: HGF is on the minus strand). VCF-style: chr7-81706417-C-A. GRCh37 (hg19) VCF-style: chr7-81335733-C-A.
Other names: c.1612G>T, p.Asp538Tyr (NM_001010932.3); short protein forms D538Y, D543Y.
Identifiers: ClinVar variation 681499 (VCV000681499.8), dbSNP rs769438908, ClinGen allele CA4316833.
Genomic context (GRCh38, chr7:81,706,417, plus strand): 5'-GTTTGCATTTCTCATCTCCTCTTCCGTGGACATCATGAATTCCAAGCCAAGCTTCATAAT[C>A]TTTCAAGTCTCTGTTTTGAAGGAAAAAAATTTAAATGTAAAACATAATAATTCCAAATTC-3'
Protein context (NP_000592.3, residues 533-553): RQCFPSRDLK[Asp543Tyr]YEAWLGIHDV